The following is an entry in ClinVar:

NM_030665.4(RAI1):c.2734G>T (p.Ala912Ser)

Gene: RAI1 (retinoic acid induced 1; plus strand). Cytogenetic location: 17p11.2.
Variant type: single nucleotide variant.
Coding change: c.2734G>T on transcript NM_030665.4 (MANE Select); coding-DNA position 2734, G replaced by T.
Protein change: p.Ala912Ser; replaces alanine 912 with serine.
Molecular consequence: missense variant.
Genome position (GRCh38, 1-based): chr17:17,795,682, G>T. VCF-style: chr17-17795682-G-T. GRCh37 (hg19) VCF-style: chr17-17698996-G-T.
Other names: c.2734G>T (NM_030665.3); short protein forms A912S.
Identifiers: ClinVar variation 1897068 (VCV001897068.6), dbSNP rs2508583264, ClinGen allele CA398551884.

ClinVar aggregate classification (germline): Uncertain significance. Review status: criteria provided, single submitter (1 of 4 stars). 2 submissions from 2 submitters: Uncertain significance (1). 1 of the submissions does not count toward it. Last evaluated 2022-08-15.

Conditions:
RAI1-related disorder. Also called: RAI1-related condition.

Submissions (2):

Labcorp Genetics (formerly Invitae), Labcorp
Classification: Uncertain significance. Last evaluated: 2022-08-15. Review status: criteria provided, single submitter. Criteria: Invitae Variant Classification Sherloc (09022015). Collection method: clinical testing. Allele origin: germline.
Comment: In summary, the available evidence is currently insufficient to determine the role of this variant in disease. Therefore, it has been classified as a Variant of Uncertain Significance. Algorithms developed to predict the effect of missense changes on protein structure and function output the following: SIFT: "Tolerated"; PolyPhen-2: "Benign"; Align-GVGD: "Class C0". The serine amino acid residue is found in multiple mammalian species, which suggests that this missense change does not adversely affect protein function. This variant has not been reported in the literature in individuals affected with RAI1-related conditions. This variant is not present in population databases (gnomAD no frequency). This sequence change replaces alanine, which is neutral and non-polar, with serine, which is neutral and polar, at codon 912 of the RAI1 protein (p.Ala912Ser).

PreventionGenetics, part of Exact Sciences
Classification: Uncertain significance for RAI1-related condition. Last evaluated: 2024-04-09. Review status: no assertion criteria provided. Collection method: clinical testing. Allele origin: germline. Not counted in ClinVar's aggregate classification.
Comment: The RAI1 c.2734G>T variant is predicted to result in the amino acid substitution p.Ala912Ser. To our knowledge, this variant has not been reported in the literature or in a large population database, indicating this variant is rare. At this time, the clinical significance of this variant is uncertain due to the absence of conclusive functional and genetic evidence.